The following is an entry in ClinVar:

NC_000015.9:g.(?_38591564)_(38632106_?)del

Gene: SPRED1 (sprouty related EVH1 domain containing 1; plus strand). Cytogenetic location: 15q14.
Variant type: Deletion.
Identifiers: ClinVar variation 3243808 (VCV003243808.1).

ClinVar aggregate classification (germline): Pathogenic (1 of 4 stars; one submission).

Conditions:
Legius syndrome. Identifiers: Orphanet 137605, MedGen C1969623, MONDO:0012669, OMIM 611431. Disease mechanism: loss of function.

Submission:

Labcorp Genetics (formerly Invitae), Labcorp
Classification: Pathogenic for Legius syndrome. Last evaluated: 2023-04-22. Review status: criteria provided, single submitter. Criteria: Invitae Variant Classification Sherloc (09022015). Collection method: clinical testing. Allele origin: unknown.
Comment: For these reasons, this variant has been classified as Pathogenic. This variant has not been reported in the literature in individuals affected with SPRED1-related conditions. This variant is a gross deletion of the genomic region encompassing exon(s) 2-5 of the SPRED1 gene. This deletion is out-of-frame, and is expected to create a premature termination codon and result in an absent or disrupted protein product. Loss-of-function variants in SPRED1 are known to be pathogenic (PMID: 17704776).

Literature cited by the submitters: PubMed 17704776.